The following is an entry in ClinVar:

ClinVar aggregate classification (germline): Likely benign (0 of 4 stars; one submission).

Conditions:
TRPC5-related disorder. Also called: TRPC5-related condition.

gnomAD v4.1: 21 of 1,205,873 alleles (0.0017%); highest among the groups gnomAD compares: Non-Finnish European, 0.0021%; no homozygotes.

Submission:

PreventionGenetics, part of Exact Sciences
Classification: Likely benign for TRPC5-related condition. Last evaluated: 2024-03-13. Review status: no assertion criteria provided. Collection method: clinical testing. Allele origin: germline.
Comment: This variant is classified as likely benign based on ACMG/AMP sequence variant interpretation guidelines (Richards et al. 2015 PMID: 25741868, with internal and published modifications).

NM_012471.3(TRPC5):c.1377+6T>C

Gene: TRPC5 (transient receptor potential cation channel subfamily C member 5; minus strand). Cytogenetic location: Xq23.
Variant type: single nucleotide variant.
Coding change: c.1377+6T>C on transcript NM_012471.3 (MANE Select); 6 bases into the intron after coding-DNA position 1377, T replaced by C.
Molecular consequence: intron variant.
Genome position (GRCh38, 1-based): chrX:111,852,292, A>G on the plus strand (T>C on the coding strand, the complement: TRPC5 is on the minus strand). VCF-style: chrX-111852292-A-G. GRCh37 (hg19) VCF-style: chrX-111095520-A-G.
Identifiers: ClinVar variation 3353401 (VCV003353401.1).